The following is an entry in ClinVar:

NM_001354930.2(RIPK1):c.1757A>T (p.His586Leu)

Gene: RIPK1 (receptor interacting serine/threonine kinase 1; plus strand). Cytogenetic location: 6p25.2.
Variant type: single nucleotide variant.
Coding change: c.1757A>T on transcript NM_001354930.2 (MANE Select); coding-DNA position 1757, A replaced by T.
Protein change: p.His586Leu; replaces histidine 586 with leucine.
Molecular consequence: missense variant.
Genome position (GRCh38, 1-based): chr6:3,113,080, A>T. VCF-style: chr6-3113080-A-T. GRCh37 (hg19) VCF-style: chr6-3113314-A-T.
Other names: c.1619A>T, p.His540Leu (NM_001354931.2); c.1268A>T, p.His423Leu (NM_001354932.2, NM_001354933.2, NM_001354934.2 and 1 more transcripts); c.1757A>T, p.His586Leu (NM_003804.6); short protein forms H423L, H540L, H586L.
Identifiers: ClinVar variation 1313692 (VCV001313692.2), dbSNP rs2113726042, ClinGen allele CA362577533.

ClinVar aggregate classification (germline): Uncertain significance (1 of 4 stars; one submission).

Submission:

GeneDx
Classification: Uncertain significance. Last evaluated: 2020-02-17. Review status: criteria provided, single submitter. Criteria: GeneDx Variant Classification Process June 2021. Collection method: clinical testing. Allele origin: germline. Affected: yes.
Comment: Not observed in large population cohorts (Lek et al., 2016); In silico analysis supports that this missense variant has a deleterious effect on protein structure/function; Has not been previously published as pathogenic or benign to our knowledge